The following is an entry in ClinVar:

NM_000094.4(COL7A1):c.4082C>T (p.Pro1361Leu)

Gene: COL7A1 (collagen type VII alpha 1 chain; minus strand). Cytogenetic location: 3p21.31.
Variant type: single nucleotide variant.
Coding change: c.4082C>T on transcript NM_000094.4 (MANE Select); coding-DNA position 4082, C replaced by T.
Protein change: p.Pro1361Leu; replaces proline 1361 with leucine.
Molecular consequence: missense variant.
Genome position (GRCh38, 1-based): chr3:48,584,522, G>A on the plus strand (C>T on the coding strand, the complement: COL7A1 is on the minus strand). VCF-style: chr3-48584522-G-A. GRCh37 (hg19) VCF-style: chr3-48621955-G-A.
Other names: short protein forms P1361L.
Identifiers: ClinVar variation 3613647 (VCV003613647.2).

ClinVar aggregate classification (germline): Uncertain significance (1 of 4 stars; one submission).

gnomAD v4.1: 1 of 1,614,114 alleles (0.000062%); highest among the groups gnomAD compares: Non-Finnish European, 0.000085%; no homozygotes.

Submission:

Labcorp Genetics (formerly Invitae), Labcorp
Classification: Uncertain significance. Last evaluated: 2024-12-28. Review status: criteria provided, single submitter. Criteria: Invitae Variant Classification Sherloc (09022015). Collection method: clinical testing. Allele origin: germline.
Comment: This sequence change replaces proline, which is neutral and non-polar, with leucine, which is neutral and non-polar, at codon 1361 of the COL7A1 protein (p.Pro1361Leu). This variant is not present in population databases (gnomAD no frequency). This variant has not been reported in the literature in individuals affected with COL7A1-related conditions. Invitae Evidence Modeling of protein sequence and biophysical properties (such as structural, functional, and spatial information, amino acid conservation, physicochemical variation, residue mobility, and thermodynamic stability) indicates that this missense variant is not expected to disrupt COL7A1 protein function with a negative predictive value of 95%. In summary, the available evidence is currently insufficient to determine the role of this variant in disease. Therefore, it has been classified as a Variant of Uncertain Significance.